The following is an entry in ClinVar:

ClinVar aggregate classification (germline): Conflicting classifications of pathogenicity. Review status: criteria provided, conflicting classifications (1 of 4 stars). 10 submissions from 10 submitters: Likely pathogenic (1); Uncertain significance (6); Likely benign (2). 1 of the submissions does not count toward it. Last evaluated 2025-12-08.

Conditions:
Citrullinemia. Identifiers: Orphanet 187, MedGen C0175683, MONDO:0015991.
Citrullinemia type I (CTNL1). Also called: argininosuccinate synthetase deficiency; ASS DEFICIENCY. Identifiers: Orphanet 247525, MedGen C4721769, MONDO:0008988, OMIM 215700.

Allele frequency attached by ClinVar (database versions not stated): gnomAD 0.00022; gnomAD exomes 0.00030 and 0.00056; 1000 Genomes Project 30x 0.00031; 1000 Genomes Project 0.00040; ExAC 0.00059; TOPMed 0.00060; ESP Exome Variant Server 0.00062.
gnomAD v4.1: 495 of 1,614,052 alleles (0.031%); highest among the groups gnomAD compares: Middle Eastern, 0.66%; 3 homozygotes.

Submissions (10):

Women's Health and Genetics/Laboratory Corporation of America, LabCorp
Classification: Likely benign. Last evaluated: 2025-12-08. Review status: criteria provided, single submitter. Criteria: LabCorp Variant Classification Summary - May 2015. Collection method: clinical testing. Allele origin: germline.
Comment: Variant summary: ASS1 c.-4C>T is located in the untranslated mRNA region upstream of the initiation codon. The variant allele was found at a frequency of 0.0003067 in 1614052 control chromosomes in the gnomAD v4 database (including 3 homozygotes), predominantly at a frequency of 0.006598 within the Middle Eastern subpopulation in the gnomAD v4 database. The observed variant frequency within Middle Eastern control individuals in the gnomAD database exceeds the estimated maximal expected allele frequency for disease-causing variants in ASS1. c.-4C>T has been observed in one individual affected with Citrullinemia Type I (Liu_2023). These data do not allow any conclusion about variant significance. At least one publication reports experimental evidence evaluating an impact on protein function, however, does not allow convincing conclusions about the variant effect (Liu_2023). The following publications have been ascertained in the context of this evaluation (PMID: 32778825, 28111830, 19006241, 37485339). ClinVar contains an entry for this variant (Variation ID: 203632). Based on the evidence outlined above, the variant was classified as likely benign.

Blueprint Genetics
Classification: Uncertain significance. Last evaluated: 2024-11-21. Review status: criteria provided, single submitter. Criteria: ACMG Guidelines, 2015. Collection method: clinical testing. Allele origin: germline.

Labcorp Genetics (formerly Invitae), Labcorp
Classification: Likely benign for Citrullinemia. Last evaluated: 2023-09-08. Review status: criteria provided, single submitter. Criteria: Invitae Variant Classification Sherloc (09022015). Collection method: clinical testing. Allele origin: germline.

Molecular Genetics, Royal Melbourne Hospital
Classification: Uncertain significance for Citrullinemia type I. Last evaluated: 2023-04-11. Review status: criteria provided, single submitter. Criteria: ACMG Guidelines, 2015. Collection method: clinical testing. Allele origin: germline.
Comment: This sequence change in ASS1 is located in the 5' untranslated region. It introduces an alternative initiation codon and alters the Kozak consensus sequence, which plays an essential role in protein translation initiation. No functional assays have been reported to assess if the variant affects protein translation. The highest population minor allele frequency in the population database gnomAD v2.1 is 0.18% (55/30,574 alleles) in the South Asian population. This variant has been reported as likely pathogenic, a variant of uncertain significance, and likely benign (ClinVar ID: 203632). This variant has been observed with a variant of uncertain significance in an individual with citrullinaemia (PMID: 28111830). Based on the classification scheme RMH Modified ACMG Guidelines v1.6.1, this variant is classified as a VARIANT OF UNCERTAIN SIGNIFICANCE. Following criteria are met: none.

Myriad Genetics, Inc.
Classification: Uncertain significance for Citrullinemia type I. Last evaluated: 2021-10-01. Review status: criteria provided, single submitter. Criteria: Myriad Women's Health Autosomal Recessive and X-Linked Classification Criteria (2021). Collection method: clinical testing. Allele origin: unknown.
Comment: NM_000050.4(ASS1):c.-4C>T is a 5' non-coding variant classified as a variant of uncertain significance in the context of citrullinemia type 1. c.-4C>T has been observed in a case with relevant disease (PMID: 28111830). Functional assessments of this variant are not available in the literature. c.-4C>T has been observed in population frequency databases (gnomAD: SAS 0.18%). In summary, there is insufficient evidence to classify NM_000050.4(ASS1):c.-4C>T as pathogenic or benign. Please note: this variant was assessed in the context of healthy population screening.

Genome-Nilou Lab
Classification: Uncertain significance for Citrullinemia type I. Last evaluated: 2021-05-18. Review status: criteria provided, single submitter. Criteria: ACMG Guidelines, 2015. Collection method: clinical testing. Allele origin: germline. Affected: no.

Institute of Medical Genetics and Applied Genomics, University Hospital Tübingen
Classification: Likely pathogenic. Last evaluated: 2020-10-23. Review status: criteria provided, single submitter. Criteria: ACMG Guidelines, 2015. Collection method: clinical testing. Allele origin: germline. Inheritance: Unknown mechanism. Affected: yes.

GeneDx
Classification: Uncertain significance. Last evaluated: 2019-03-29. Review status: criteria provided, single submitter. Criteria: GeneDx Variant Classification Process June 2021. Collection method: clinical testing. Allele origin: germline. Affected: yes.
Comment: Previously reported in association with citrullinemia type I (Engel et al., 2009); Nucleotide substitution has no predicted effect on splicing and is not conserved across species; Alters the Kozak consensus sequence, which plays an important role in the initiation of protein translation; This variant is associated with the following publications: (PMID: 25087612, 19006241)

Illumina Laboratory Services, Illumina
Classification: Uncertain significance for Citrullinemia type I. Last evaluated: 2017-04-27. Review status: criteria provided, single submitter. Criteria: ICSL Variant Classification Criteria 13 December 2019. Collection method: clinical testing. Allele origin: germline.
Comment: This variant was observed as part of a predisposition screen in an ostensibly healthy population. A literature search was performed for the gene, cDNA change, and amino acid change (where applicable). Publications were found based on this search. However, the evidence from the literature, in combination with allele frequency data from public databases where available, was not sufficient to rule this variant in or out of causing disease. Therefore, this variant is classified as a variant of unknown significance.

Natera, Inc.
Classification: Uncertain significance for Citrullinemia type I. Last evaluated: 2021-06-21. Review status: no assertion criteria provided. Collection method: clinical testing. Allele origin: germline. Not counted in ClinVar's aggregate classification.

Literature cited by the submitters: PubMed 19006241 (cited by Women's Health and Genetics/Laboratory Corporation of America, LabCorp and Illumina Laboratory Services, Illumina); PubMed 28111830 (cited by 3 submitters); PubMed 32778825 (cited by Women's Health and Genetics/Laboratory Corporation of America, LabCorp); PubMed 37485339 (cited by Women's Health and Genetics/Laboratory Corporation of America, LabCorp).

NM_054012.4(ASS1):c.-4C>T

Gene: ASS1 (argininosuccinate synthase 1; plus strand). Cytogenetic location: 9q34.11.
Variant type: single nucleotide variant.
Coding change: c.-4C>T on transcript NM_054012.4 (MANE Select); 4 bases upstream of the start codon, C replaced by T.
Molecular consequence: 5 prime UTR variant.
Genome position (GRCh38, 1-based): chr9:130,452,225, C>T. VCF-style: chr9-130452225-C-T. GRCh37 (hg19) VCF-style: chr9-133327612-C-T.
Other names: c.-4C>T (NM_000050.4).
Identifiers: ClinVar variation 203632 (VCV000203632.30), dbSNP rs138350285, ClinGen allele CA312353.